The following is an entry in ClinVar:

ClinVar aggregate classification (germline): Uncertain significance (1 of 4 stars; one submission).

Conditions:
Inborn genetic diseases. Identifiers: MedGen C0950123, MeSH D030342.

Submission:

Ambry Genetics
Classification: Uncertain significance for Inborn genetic diseases. Last evaluated: 2026-06-09. Review status: criteria provided, single submitter. Criteria: Ambry Variant Classification Scheme 2023. Collection method: clinical testing. Allele origin: germline.
Comment: The p.A1352G variant (also known as c.4055C>G), located in coding exon 41 of the FANCA gene, results from a C to G substitution at nucleotide position 4055. The alanine at codon 1352 is replaced by glycine, an amino acid with similar properties. This amino acid position is conserved. In addition, this alteration is predicted to be tolerated by in silico analysis. Based on the available evidence, the clinical significance of this variant remains unclear.

NM_000135.4(FANCA):c.4055C>G (p.Ala1352Gly)

Genes: FANCA (FA complementation group A; minus strand), ZNF276 (zinc finger protein 276; plus strand). Cytogenetic location: 16q24.3.
Variant type: single nucleotide variant.
Coding change: c.4055C>G on transcript NM_000135.4 (MANE Select); coding-DNA position 4055, C replaced by G.
Protein change: p.Ala1352Gly; replaces alanine 1352 with glycine.
Molecular consequence: missense variant. On other transcripts: 3 prime UTR variant (2), non-coding transcript variant (4).
Genome position (GRCh38, 1-based): chr16:89,739,245, G>C on the plus strand (C>G on the coding strand, the complement: FANCA is on the minus strand). VCF-style: chr16-89739245-G-C. GRCh37 (hg19) VCF-style: chr16-89805653-G-C.
Other names: c.4055C>G, p.Ala1352Gly (NM_001286167.3); c.*999G>C (NM_001113525.2, NM_152287.4); short protein forms A1352G.
Identifiers: ClinVar variation 4870917 (VCV004870917.1).